The following is an entry in ClinVar:

ClinVar aggregate classification (germline): Uncertain significance (1 of 4 stars; one submission).

Submission:

Ambry Genetics
Classification: Uncertain significance. Last evaluated: 2025-09-02. Review status: criteria provided, single submitter. Criteria: Ambry Variant Classification Scheme 2023. Collection method: clinical testing. Allele origin: germline.
Comment: The c.330_341dup12 variant (also known as p.P113_P116dup), located in coding exon 1 of the PALLD gene, results from an in-frame duplication of 12 nucleotides at nucleotide positions 330 to 341. This results in the duplication of 4 extra residues (PPPP) between codons 113 and 116. This amino acid region is well conserved in available vertebrate species. In addition, this variant is predicted to be neutral by in silico analysis (Choi Y et al. PLoS ONE. 2012; 7(10):e46688). The evidence for this gene-disease relationship is limited; therefore, the clinical significance of this alteration is unclear.

NM_001166108.2(PALLD):c.1965-12701_1965-12690dup

Gene: PALLD (palladin, cytoskeletal associated protein; plus strand). Cytogenetic location: 4q32.3.
Variant type: Duplication.
Coding change: c.1965-12701_1965-12690dup on transcript NM_001166108.2 (MANE Select); 12701 bases into the intron before coding-DNA position 1965 through 12690 bases into the intron before coding-DNA position 1965, 12 bases duplicated (GCCGCCGCCACC).
Molecular consequence: intron variant.
Genome position (GRCh38, 1-based): chr4:168,878,221-168,878,232, GCCGCCGCCACC duplicated. VCF-style (leftmost placement, unchanged base first): chr4-168878220-T-TGCCGCCGCCACC. GRCh37 (hg19) VCF-style: chr4-169799371-T-TGCCGCCGCCACC.
Other names: c.330_341dup, p.Pro116_Leu117insProProProPro (NM_001166110.2); c.1965-12701_1965-12690dup (NM_016081.4); c.819-12701_819-12690dup (NM_001166109.2); c.-157-12701_-157-12690dup (NM_001367570.1, NM_001367568.1, NM_001367567.1 and 1 more transcripts).
Identifiers: ClinVar variation 4130382 (VCV004130382.1).